The following is an entry in ClinVar:

ClinVar aggregate classification (germline): Likely benign. Review status: criteria provided, multiple submitters, no conflicts (2 of 4 stars). 3 submissions from 3 submitters: Likely benign (2). 1 of the submissions does not count toward it. Last evaluated 2024-04-01.

Conditions:
Autoinflammation-PLCG2-associated antibody deficiency-immune dysregulation. Also called: Autoinflammation, antibody deficiency, and immune dysregulation syndrome; Autoinflammation, antibody deficiency, and immune dysregulation, plcg2-associated; AUTOINFLAMMATION, ANTIBODY DEFICIENCY, AND IMMUNE DYSREGULATION. Identifiers: Orphanet 324530, MedGen C3553961, MONDO:0013944, OMIM 614878.
Familial cold autoinflammatory syndrome 3 (FCAS3). Also called: FAMILIAL ATYPICAL COLD URTICARIA; ANTIBODY DEFICIENCY AND IMMUNE DYSREGULATION, PLCG2-ASSOCIATED. Identifiers: Orphanet 300359, MedGen C3280914, MONDO:0013766, OMIM 614468.
PLCG2-related disorder. Also called: PLCG2-related condition.

Allele frequency attached by ClinVar (database versions not stated): ExAC 0.00001; gnomAD 0.00001; gnomAD exomes 0.00001 and 0.00002; TOPMed 0.00001.
gnomAD v4.1: 18 of 1,605,364 alleles (0.0011%); highest among the groups gnomAD compares: East Asian, 0.029%; no homozygotes.

Submissions (3):

Labcorp Genetics (formerly Invitae), Labcorp
Classification: Likely benign for Familial cold autoinflammatory syndrome 3. Last evaluated: 2024-04-01. Review status: criteria provided, single submitter. Criteria: Invitae Variant Classification Sherloc (09022015). Collection method: clinical testing. Allele origin: germline.

Fulgent Genetics
Classification: Likely benign for Familial cold autoinflammatory syndrome 3; Autoinflammation-PLCG2-associated antibody deficiency-immune dysregulation. Last evaluated: 2022-01-25. Review status: criteria provided, single submitter. Criteria: ACMG Guidelines, 2015. Collection method: clinical testing. Allele origin: unknown.

PreventionGenetics, part of Exact Sciences
Classification: Likely benign for PLCG2-related condition. Last evaluated: 2021-12-16. Review status: no assertion criteria provided. Collection method: clinical testing. Allele origin: germline. Not counted in ClinVar's aggregate classification.
Comment: This variant is classified as likely benign based on ACMG/AMP sequence variant interpretation guidelines (Richards et al. 2015 PMID: 25741868, with internal and published modifications).

NM_002661.5(PLCG2):c.1934+8T>G

Gene: PLCG2 (phospholipase C gamma 2; plus strand). Cytogenetic location: 16q23.3.
Variant type: single nucleotide variant.
Coding change: c.1934+8T>G on transcript NM_002661.5 (MANE Select); 8 bases into the intron after coding-DNA position 1934, T replaced by G.
Molecular consequence: intron variant.
Genome position (GRCh38, 1-based): chr16:81,910,728, T>G. VCF-style: chr16-81910728-T-G. GRCh37 (hg19) VCF-style: chr16-81944333-T-G.
Other names: c.1934+8T>G (NM_002661.4).
Identifiers: ClinVar variation 1135122 (VCV001135122.12), dbSNP rs780081424, ClinGen allele CA8193989.
Genomic context (GRCh38, chr16:81,910,728, plus strand): 5'-GAGCTGCGGCTCACGGACCCTGTGCCCAACCCCAACCCCCACGAGTCCAAGCCGTACGTG[T>G]CTGAGGGTGGAGCAGGAGGCAGGCGGTGGTCGGGTTAGCTCCACCAGGCAGAGAAGCTGG-3'